The following is an entry in ClinVar:

ClinVar aggregate classification (germline): Uncertain significance. Review status: criteria provided, multiple submitters, no conflicts (2 of 4 stars). 2 submissions from 2 submitters: Uncertain significance (2). Last evaluated 2023-01-12.

Conditions:
Hereditary cancer-predisposing syndrome. Also called: Hereditary neoplastic syndrome; Tumor predisposition; Neoplastic Syndromes, Hereditary; Hereditary Cancer Syndrome. Identifiers: Orphanet 140162, MedGen C0027672, MeSH D009386, MONDO:0015356.

Allele frequency attached by ClinVar (database versions not stated): gnomAD exomes below 0.00001; gnomAD 0.00001; TOPMed 0.00002.
gnomAD v4.1: 2 of 1,600,388 alleles (0.00012%); highest among the groups gnomAD compares: Non-Finnish European, 0.00017%; no homozygotes.

Submissions (2):

Ambry Genetics
Classification: Uncertain significance for Hereditary cancer-predisposing syndrome. Last evaluated: 2023-01-12. Review status: criteria provided, single submitter. Criteria: Ambry Variant Classification Scheme 2023. Collection method: clinical testing. Allele origin: germline.
Comment: The p.D1730E variant (also known as c.5190C>A), located in coding exon 39 of the POLE gene, results from a C to A substitution at nucleotide position 5190. The aspartic acid at codon 1730 is replaced by glutamic acid, an amino acid with highly similar properties. This amino acid position is conserved. In addition, this alteration is predicted to be tolerated by in silico analysis. Since supporting evidence is limited at this time, the clinical significance of this alteration remains unclear.

Labcorp Genetics (formerly Invitae), Labcorp
Classification: Uncertain significance. Last evaluated: 2022-08-03. Review status: criteria provided, single submitter. Criteria: Invitae Variant Classification Sherloc (09022015). Collection method: clinical testing. Allele origin: germline.
Comment: In summary, the available evidence is currently insufficient to determine the role of this variant in disease. Therefore, it has been classified as a Variant of Uncertain Significance. Algorithms developed to predict the effect of missense changes on protein structure and function are either unavailable or do not agree on the potential impact of this missense change (SIFT: "Tolerated"; PolyPhen-2: "Not Available"; Align-GVGD: "Class C0"). ClinVar contains an entry for this variant (Variation ID: 1503202). This variant has not been reported in the literature in individuals affected with POLE-related conditions. This variant is not present in population databases (gnomAD no frequency). This sequence change replaces aspartic acid, which is acidic and polar, with glutamic acid, which is acidic and polar, at codon 1730 of the POLE protein (p.Asp1730Glu).

NM_006231.4(POLE):c.5190C>A (p.Asp1730Glu)

Gene: POLE (DNA polymerase epsilon, catalytic subunit; minus strand). Cytogenetic location: 12q24.33.
Variant type: single nucleotide variant.
Coding change: c.5190C>A on transcript NM_006231.4 (MANE Select); coding-DNA position 5190, C replaced by A.
Protein change: p.Asp1730Glu; replaces aspartic acid 1730 with glutamic acid.
Molecular consequence: missense variant.
Genome position (GRCh38, 1-based): chr12:132,641,835, G>T on the plus strand (C>A on the coding strand, the complement: POLE is on the minus strand). VCF-style: chr12-132641835-G-T. GRCh37 (hg19) VCF-style: chr12-133218421-G-T.
Other names: c.5190C>A (NM_006231.2); short protein forms D1730E.
Identifiers: ClinVar variation 1503202 (VCV001503202.9), dbSNP rs1232184956, ClinGen allele CA387376481.